The following is an entry in ClinVar:

ClinVar aggregate classification (germline): Conflicting classifications of pathogenicity. Review status: criteria provided, conflicting classifications (1 of 4 stars). 2 submissions from 2 submitters: Uncertain significance (1); Likely benign (1). Last evaluated 2025-01-07.

Conditions:
Hereditary cancer-predisposing syndrome. Also called: Neoplastic Syndromes, Hereditary; Tumor predisposition; Hereditary Cancer Syndrome; Hereditary neoplastic syndrome. Identifiers: Orphanet 140162, MedGen C0027672, MeSH D009386, MONDO:0015356.
BAP1-related tumor predisposition syndrome (TPDS1). Also called: BAP1 tumor predisposition syndrome; COMMON Syndrome; TUMOR PREDISPOSITION SYNDROME 1; Tumor susceptibility linked to germline BAP1 mutations. Identifiers: Orphanet 289539, MedGen C3280492, MONDO:0013692, OMIM 614327.

Allele frequency attached by ClinVar (database versions not stated): gnomAD 0.00001; TOPMed 0.00002.
gnomAD v4.1: 2 of 1,613,938 alleles (0.00012%); highest among the groups gnomAD compares: African/African-American, 0.0027%; no homozygotes.

Submissions (2):

Ambry Genetics
Classification: Likely benign for Hereditary cancer-predisposing syndrome. Last evaluated: 2025-01-07. Review status: criteria provided, single submitter. Criteria: Ambry Variant Classification Scheme 2023. Collection method: clinical testing. Allele origin: germline.

Labcorp Genetics (formerly Invitae), Labcorp
Classification: Uncertain significance for BAP1-related tumor predisposition syndrome. Last evaluated: 2023-07-16. Review status: criteria provided, single submitter. Criteria: Invitae Variant Classification Sherloc (09022015). Collection method: clinical testing. Allele origin: germline.
Comment: In summary, the available evidence is currently insufficient to determine the role of this variant in disease. Therefore, it has been classified as a Variant of Uncertain Significance. Advanced modeling of protein sequence and biophysical properties (such as structural, functional, and spatial information, amino acid conservation, physicochemical variation, residue mobility, and thermodynamic stability) performed at Invitae indicates that this missense variant is not expected to disrupt BAP1 protein function. ClinVar contains an entry for this variant (Variation ID: 472668). This variant has not been reported in the literature in individuals affected with BAP1-related conditions. This variant is present in population databases (no rsID available, gnomAD 0.01%). This sequence change replaces alanine, which is neutral and non-polar, with valine, which is neutral and non-polar, at codon 471 of the BAP1 protein (p.Ala471Val).

Literature cited by the submitters: PubMed 38969833 (cited by Ambry Genetics).

NM_004656.4(BAP1):c.1412C>T (p.Ala471Val)

Gene: BAP1 (BRCA1 associated deubiquitinase 1; minus strand). Cytogenetic location: 3p21.1.
Variant type: single nucleotide variant.
Coding change: c.1412C>T on transcript NM_004656.4 (MANE Select); coding-DNA position 1412, C replaced by T.
Protein change: p.Ala471Val; replaces alanine 471 with valine.
Molecular consequence: missense variant.
Genome position (GRCh38, 1-based): chr3:52,403,733, G>A on the plus strand (C>T on the coding strand, the complement: BAP1 is on the minus strand). VCF-style: chr3-52403733-G-A. GRCh37 (hg19) VCF-style: chr3-52437749-G-A.
Other names: short protein forms A471V.
Identifiers: ClinVar variation 472668 (VCV000472668.11), dbSNP rs749456076, ClinGen allele CA74740824.
Genomic context (GRCh38, chr3:52,403,733, plus strand): 5'-TCATTGCTGGGGGTGGGTGAGGGCTGCGAGTGTGTGGGCACTGCCACAGCCGGACTCCCA[G>A]CCCCGCTGCTAGTCTTGATGGACAGAGGAATTGAGAGGTCCTTCTGGGACTCTTTGAGCT-3'
Protein context (NP_004647.1, residues 461-481): IPLSIKTSSG[Ala471Val]GSPAVAVPTH